The following is an entry in ClinVar:

ClinVar aggregate classification (germline): Benign/Likely benign. Review status: criteria provided, multiple submitters, no conflicts (2 of 4 stars). 3 submissions from 3 submitters: Benign (2); Likely benign (1). Last evaluated 2025-12-01.

Allele frequency attached by ClinVar (database versions not stated): gnomAD 0.00026 and 0.00027; TOPMed 0.00029; ESP Exome Variant Server 0.00031; gnomAD exomes 0.00032 and 0.00034.
gnomAD v4.1: 509 of 1,613,952 alleles (0.032%); highest among the groups gnomAD compares: Middle Eastern, 0.033%; no homozygotes.

Submissions (3):

CeGaT Center for Human Genetics Tuebingen
Classification: Likely benign. Last evaluated: 2025-12-01. Review status: criteria provided, single submitter. Criteria: CeGaT Center For Human Genetics Tuebingen Variant Classification Criteria Version 2. Collection method: clinical testing. Allele origin: germline. Affected: yes. Observed: 2 variant alleles.
Comment: NAXD: BP4, BP7

Labcorp Genetics (formerly Invitae), Labcorp
Classification: Benign. Last evaluated: 2025-11-12. Review status: criteria provided, single submitter. Criteria: Invitae Variant Classification Sherloc (09022015). Collection method: clinical testing. Allele origin: germline.

Breakthrough Genomics
Classification: Benign. Review status: criteria provided, single submitter. Criteria: ACMG Guidelines, 2015. Collection method: not provided. Allele origin: germline. Inheritance: Autosomal recessive inheritance. Affected: yes.

NM_001242882.2(NAXD):c.510C>T (p.Val170=)

Gene: NAXD (NAD(P)HX dehydratase; plus strand). Cytogenetic location: 13q34.
Variant type: single nucleotide variant.
Coding change: c.510C>T on transcript NM_001242882.2 (MANE Select); coding-DNA position 510, C replaced by T.
Protein change: p.Val170=; no amino-acid change (valine 170 retained).
Molecular consequence: synonymous variant. On other transcripts: non-coding transcript variant (2).
Genome position (GRCh38, 1-based): chr13:110,634,689, C>T. VCF-style: chr13-110634689-C-T. GRCh37 (hg19) VCF-style: chr13-111287036-C-T.
Other names: c.564C>T, p.Val188= (NM_001242881.2, NM_018210.4); c.234C>T, p.Val78= (NM_001242883.2).
Identifiers: ClinVar variation 1589545 (VCV001589545.19), dbSNP rs145262627, ClinGen allele CA7051248.